The following is an entry in ClinVar:

ClinVar aggregate classification (germline): Uncertain significance. Review status: criteria provided, multiple submitters, no conflicts (2 of 4 stars). 2 submissions from 2 submitters: Uncertain significance (2). Last evaluated 2025-07-22.

Conditions:
Familial cancer of breast. Also called: hereditary breast carcinoma; Hereditary breast cancer; BREAST CANCER, FAMILIAL. Identifiers: Orphanet 227535, MedGen C0346153, MONDO:0016419, OMIM 114480. Disease mechanism: loss of function.
Hereditary cancer-predisposing syndrome. Also called: Hereditary neoplastic syndrome; Tumor predisposition; Neoplastic Syndromes, Hereditary; Hereditary Cancer Syndrome. Identifiers: Orphanet 140162, MedGen C0027672, MeSH D009386, MONDO:0015356.

Allele frequency attached by ClinVar (database versions not stated): gnomAD exomes 0.00001.
gnomAD v4.1: 15 of 1,613,702 alleles (0.00093%); highest among the groups gnomAD compares: Non-Finnish European, 0.0013%; no homozygotes.

Submissions (2):

Ambry Genetics
Classification: Uncertain significance for Hereditary cancer-predisposing syndrome. Last evaluated: 2025-07-22. Review status: criteria provided, single submitter. Criteria: Ambry Variant Classification Scheme 2023. Collection method: clinical testing. Allele origin: germline.
Comment: The p.L1027F variant (also known as c.3079C>T), located in coding exon 10 of the PALB2 gene, results from a C to T substitution at nucleotide position 3079. The leucine at codon 1027 is replaced by phenylalanine, an amino acid with highly similar properties. This amino acid position is conserved. In addition, this alteration is predicted to be tolerated by in silico analysis. Based on the available evidence, the clinical significance of this variant remains unclear.

Labcorp Genetics (formerly Invitae), Labcorp
Classification: Uncertain significance for Familial cancer of breast. Last evaluated: 2022-12-15. Review status: criteria provided, single submitter. Criteria: Invitae Variant Classification Sherloc (09022015). Collection method: clinical testing. Allele origin: germline.
Comment: ClinVar contains an entry for this variant (Variation ID: 956346). In summary, the available evidence is currently insufficient to determine the role of this variant in disease. Therefore, it has been classified as a Variant of Uncertain Significance. Advanced modeling of protein sequence and biophysical properties (such as structural, functional, and spatial information, amino acid conservation, physicochemical variation, residue mobility, and thermodynamic stability) performed at Invitae indicates that this missense variant is expected to disrupt PALB2 protein function. This variant has not been reported in the literature in individuals affected with PALB2-related conditions. This variant is not present in population databases (gnomAD no frequency). This sequence change replaces leucine, which is neutral and non-polar, with phenylalanine, which is neutral and non-polar, at codon 1027 of the PALB2 protein (p.Leu1027Phe).

NM_024675.4(PALB2):c.3079C>T (p.Leu1027Phe)

Gene: PALB2 (partner and localizer of BRCA2; minus strand). Cytogenetic location: 16p12.2.
Variant type: single nucleotide variant.
Coding change: c.3079C>T on transcript NM_024675.4 (MANE Select); coding-DNA position 3079, C replaced by T.
Protein change: p.Leu1027Phe; replaces leucine 1027 with phenylalanine.
Molecular consequence: missense variant.
Genome position (GRCh38, 1-based): chr16:23,621,396, G>A on the plus strand (C>T on the coding strand, the complement: PALB2 is on the minus strand). VCF-style: chr16-23621396-G-A. GRCh37 (hg19) VCF-style: chr16-23632717-G-A.
Other names: short protein forms L1027F.
Identifiers: ClinVar variation 956346 (VCV000956346.7), dbSNP rs1966769057, ClinGen allele CA395142915.